The following is an entry in ClinVar:

ClinVar aggregate classification (germline): Likely benign. Review status: criteria provided, multiple submitters, no conflicts (2 of 4 stars). 3 submissions from 3 submitters: Likely benign (3). Last evaluated 2025-09-02.

Conditions:
Cardiomyopathy (CMYO). Also called: Cardiomyopathies. Identifiers: Orphanet 167848, MedGen C0878544, MONDO:0004994, HP:0001638. Inheritance: Various modes of inheritance.
Arrhythmogenic right ventricular cardiomyopathy (ARVD). Also called: Arrhythmogenic cardiomyopathy; Cardiomyopathy, ARVC; Arrhythmogenic right ventricular dysplasia; Arrhythmogenic Right Ventricular Cardiomyopathy (ARVC). Identifiers: Orphanet 247, MedGen C0349788, MeSH D019571, MONDO:0016587. Disease mechanism: loss of function. Inheritance: Various modes of inheritance.
Arrhythmogenic right ventricular dysplasia 10. Also called: Arrhythmogenic Right Ventricular Dysplasia/Cardiomyopathy10; ARRHYTHMOGENIC RIGHT VENTRICULAR DYSPLASIA, FAMILIAL, 10; Arrhythmogenic right ventricular dysplasia/cardiomyopathy, type 10. Identifiers: MedGen C1857777, MONDO:0012434, OMIM 610193.

Allele frequency attached by ClinVar (database versions not stated): gnomAD exomes below 0.00001; TOPMed below 0.00001; ExAC 0.00001.
gnomAD v4.1: 2 of 1,614,164 alleles (0.00012%); highest among the groups gnomAD compares: Non-Finnish European, 0.000085%; no homozygotes.

Submissions (3):

Labcorp Genetics (formerly Invitae), Labcorp
Classification: Likely benign for Arrhythmogenic right ventricular dysplasia 10. Last evaluated: 2025-09-02. Review status: criteria provided, single submitter. Criteria: Invitae Variant Classification Sherloc (09022015). Collection method: clinical testing. Allele origin: germline.

All of Us Research Program, National Institutes of Health
Classification: Likely benign for Arrhythmogenic right ventricular cardiomyopathy. Last evaluated: 2023-11-30. Review status: criteria provided, single submitter. Criteria: ACMG Guidelines, 2015. Collection method: clinical testing. Allele origin: germline. Inheritance: Autosomal dominant inheritance. Observed: 1 variant allele, 1 heterozygote.
Comment: This study involves interpretation of variants in research participants for the purpose of population health screening. Participant phenotype was not available at the time of variant classification. Additional details can be found in publication PMID: 35346344, PMCID: PMC8962531

Color Diagnostics, LLC DBA Color Health
Classification: Likely benign for Cardiomyopathy. Last evaluated: 2019-05-16. Review status: criteria provided, single submitter. Criteria: ACMG Guidelines, 2015. Collection method: clinical testing. Allele origin: germline.

NM_001943.5(DSG2):c.2712G>A (p.Gln904=)

Genes: DSG2 (desmoglein 2; plus strand), DSG2-AS1 (DSG2 antisense RNA 1; minus strand). Cytogenetic location: 18q12.1.
Variant type: single nucleotide variant.
Coding change: c.2712G>A on transcript NM_001943.5 (MANE Select); coding-DNA position 2712, G replaced by A.
Protein change: p.Gln904=; no amino-acid change (glutamine 904 retained).
Molecular consequence: synonymous variant.
Genome position (GRCh38, 1-based): chr18:31,546,098, G>A. VCF-style: chr18-31546098-G-A. GRCh37 (hg19) VCF-style: chr18-29126061-G-A.
Identifiers: ClinVar variation 925215 (VCV000925215.7), dbSNP rs779837813, ClinGen allele CA046921.